The following is an entry in ClinVar:

NM_004369.4(COL6A3):c.6310-18C>T

Genes: COL6A3 (collagen type VI alpha 3 chain; minus strand), LOC122889011 (Sharpr-MPRA regulatory region 1020; plus strand). Cytogenetic location: 2q37.3.
Variant type: single nucleotide variant.
Coding change: c.6310-18C>T on transcript NM_004369.4 (MANE Select); 18 bases into the intron before coding-DNA position 6310, C replaced by T.
Molecular consequence: intron variant.
Genome position (GRCh38, 1-based): chr2:237,359,268, G>A on the plus strand (C>T on the coding strand, the complement: COL6A3 is on the minus strand). VCF-style: chr2-237359268-G-A. GRCh37 (hg19) VCF-style: chr2-238267911-G-A.
Other names: c.4489-18C>T (NM_057166.5); c.5692-18C>T (NM_057167.4).
Identifiers: ClinVar variation 389126 (VCV000389126.14), dbSNP rs112905665, ClinGen allele CA2188340.

ClinVar aggregate classification (germline): Benign/Likely benign. Review status: criteria provided, multiple submitters, no conflicts (2 of 4 stars). 4 submissions from 4 submitters: Benign (1); Likely benign (3). Last evaluated 2026-02-01.

Conditions:
Bethlem myopathy 1A. Also called: Bethlem myopathy 1; Bethlem Muscular Dystrophy; MYOPATHY, BENIGN CONGENITAL, WITH CONTRACTURES. Identifiers: Orphanet 610, MedGen CN029274, MONDO:0024530, OMIM 158810.

Allele frequency attached by ClinVar (database versions not stated): ESP Exome Variant Server 0.00031; gnomAD 0.00062 and 0.00090; gnomAD exomes 0.00081 and 0.00194; TOPMed 0.00090; ExAC 0.00189; 1000 Genomes Project 30x 0.00265; 1000 Genomes Project 0.00300.
gnomAD v4.1: 1,423 of 1,614,156 alleles (0.088%); highest among the groups gnomAD compares: South Asian, 0.59%; 12 homozygotes.

Submissions (4):

Labcorp Genetics (formerly Invitae), Labcorp
Classification: Benign for Bethlem myopathy 1A. Last evaluated: 2026-02-01. Review status: criteria provided, single submitter. Criteria: Invitae Variant Classification Sherloc (09022015). Collection method: clinical testing. Allele origin: germline.

Blueprint Genetics
Classification: Likely benign. Last evaluated: 2024-11-13. Review status: criteria provided, single submitter. Criteria: ACMG Guidelines, 2015. Collection method: clinical testing. Allele origin: germline.

GeneDx
Classification: Likely benign. Last evaluated: 2017-10-12. Review status: criteria provided, single submitter. Criteria: GeneDx Variant Classification (06012015). Collection method: clinical testing. Allele origin: germline. Affected: yes.
Comment: This variant is considered likely benign or benign based on one or more of the following criteria: it is a conservative change, it occurs at a poorly conserved position in the protein, it is predicted to be benign by multiple in silico algorithms, and/or has population frequency not consistent with disease.

Breakthrough Genomics
Classification: Likely benign. Review status: criteria provided, single submitter. Criteria: ACMG Guidelines, 2015. Collection method: not provided. Allele origin: germline. Inheritance: Autosomal recessive inheritance. Affected: yes.